The following is an entry in ClinVar:

NM_005245.4(FAT1):c.2959C>T (p.Gln987Ter)

Gene: FAT1 (FAT atypical cadherin 1; minus strand). Cytogenetic location: 4q35.2.
Variant type: single nucleotide variant.
Coding change: c.2959C>T on transcript NM_005245.4 (MANE Select); coding-DNA position 2959, C replaced by T.
Protein change: p.Gln987Ter; replaces glutamine 987 with a stop codon.
Molecular consequence: nonsense.
Genome position (GRCh38, 1-based): chr4:186,706,869, G>A on the plus strand (C>T on the coding strand, the complement: FAT1 is on the minus strand). VCF-style: chr4-186706869-G-A. GRCh37 (hg19) VCF-style: chr4-187628023-G-A.
Other names: short protein forms Q987*.
Identifiers: ClinVar variation 4023102 (VCV004023102.1).
Genomic context (GRCh38, chr4:186,706,869, plus strand): 5'-CCTTGTCTTTGGCCCTCACAGTGAGATTATACACTTGCTTCTTCTCAAAGTCCAACTGCT[G>A]GACGATCCTAACTGCTCCACTGAGTTTATCCACATCGAAGTTTCCTTCTCCGTGGTCCAG-3'

ClinVar aggregate classification (germline): Pathogenic (1 of 4 stars; one submission).

Conditions:
Inborn genetic diseases. Identifiers: MedGen C0950123, MeSH D030342.

gnomAD v4.1: 1 of 1,613,912 alleles (0.000062%); no homozygotes.

Submission:

Ambry Genetics
Classification: Pathogenic for Inborn genetic diseases. Last evaluated: 2025-05-02. Review status: criteria provided, single submitter. Criteria: Ambry Variant Classification Scheme 2023. Collection method: clinical testing. Allele origin: germline.
Comment: The c.2959C>T (p.Q987*) alteration, located in exon 2 (coding exon 1) of the FAT1 gene, consists of a C to T substitution at nucleotide position 2959. This changes the amino acid from a glutamine (Q) to a stop codon at amino acid position 987. This alteration is expected to result in loss of function by premature protein truncation or nonsense-mediated mRNA decay. Based on data from gnomAD, the T allele has an overall frequency of <0.001% (1/249228) total alleles studied. The highest observed frequency was 0.001% (1/112982) of European (non-Finnish) alleles. Based on the available evidence, this alteration is classified as pathogenic.